The following is an entry in ClinVar:

ClinVar aggregate classification (germline): Likely benign. Review status: reviewed by expert panel (3 of 4 stars). 7 submissions from 7 submitters: Likely benign (1). 6 of the submissions do not count toward it. Last evaluated 2017-06-29.

Conditions:
Hereditary cancer-predisposing syndrome. Also called: Hereditary Cancer Syndrome; Neoplastic Syndromes, Hereditary; Tumor predisposition; Hereditary neoplastic syndrome. Identifiers: Orphanet 140162, MedGen C0027672, MeSH D009386, MONDO:0015356.
Breast-ovarian cancer, familial, susceptibility to, 2 (BROVCA2). Also called: BRCA2 Hereditary Breast and Ovarian Cancer. Identifiers: Orphanet 145, MedGen C2675520, MONDO:0012933, OMIM 612555. Disease mechanism: loss of function.
Hereditary breast ovarian cancer syndrome. Also called: Hereditary breast and/or ovarian cancer syndrome; BRCA1- and BRCA2-Associated Hereditary Breast and Ovarian Cancer; Hereditary breast and ovarian cancer syndrome (HBOC); Hereditary breast and ovarian cancer; Hereditary breast and ovarian cancer syndrome; Breast and ovarian cancer. Identifiers: Orphanet 145, MedGen C0677776, MeSH D061325, MONDO:0003582. Disease mechanism: loss of function.

Submissions (7):

Evidence-based Network for the Interpretation of Germline Mutant Alleles (ENIGMA)
Classification: Likely benign for Breast-ovarian cancer, familial, susceptibility to, 2. Last evaluated: 2017-06-29. Review status: reviewed by expert panel. Criteria: ENIGMA BRCA1/2 Classification Criteria (2017-06-29). Collection method: curation. Allele origin: germline.
Comment: Synonymous substitution variant, with low bioinformatic likelihood to result in a splicing aberration (Splicing prior probability 0.02).

Labcorp Genetics (formerly Invitae), Labcorp
Classification: Likely benign for Hereditary breast ovarian cancer syndrome. Last evaluated: 2026-01-28. Review status: criteria provided, single submitter. Criteria: Invitae Variant Classification Sherloc (09022015). Collection method: clinical testing. Allele origin: germline. Not counted in ClinVar's aggregate classification.

Quest Diagnostics Nichols Institute San Juan Capistrano
Classification: Likely benign. Last evaluated: 2024-04-01. Review status: criteria provided, single submitter. Criteria: Quest Diagnostics criteria. Collection method: clinical testing. Allele origin: unknown. Not counted in ClinVar's aggregate classification.

KCCC/NGS Laboratory, Kuwait Cancer Control Center
Classification: Likely benign for Breast-ovarian cancer, familial, susceptibility to, 2. Last evaluated: 2023-07-07. Review status: criteria provided, single submitter. Criteria: ACMG Guidelines, 2015. Collection method: clinical testing. Allele origin: germline. Affected: yes. Not counted in ClinVar's aggregate classification.

Color Diagnostics, LLC DBA Color Health
Classification: Likely benign for Hereditary cancer-predisposing syndrome. Last evaluated: 2019-04-02. Review status: criteria provided, single submitter. Criteria: ACMG Guidelines, 2015. Collection method: clinical testing. Allele origin: germline. Not counted in ClinVar's aggregate classification.

GeneDx
Classification: Likely benign. Last evaluated: 2017-08-18. Review status: criteria provided, single submitter. Criteria: GeneDx Variant Classification (06012015). Collection method: clinical testing. Allele origin: germline. Affected: yes. Not counted in ClinVar's aggregate classification.
Comment: This variant is considered likely benign or benign based on one or more of the following criteria: it is a conservative change, it occurs at a poorly conserved position in the protein, it is predicted to be benign by multiple in silico algorithms, and/or has population frequency not consistent with disease.

Ambry Genetics
Classification: Likely benign for Hereditary cancer-predisposing syndrome. Last evaluated: 2015-02-05. Review status: criteria provided, single submitter. Criteria: Ambry Variant Classification Scheme 2023. Collection method: clinical testing. Allele origin: germline. Not counted in ClinVar's aggregate classification.

Literature cited by the submitters: PubMed 21156238 (cited by Quest Diagnostics Nichols Institute San Juan Capistrano and Ambry Genetics).

NM_000059.4(BRCA2):c.4524A>T (p.Gly1508=)

Gene: BRCA2 (BRCA2 DNA repair associated; plus strand). Cytogenetic location: 13q13.1.
Variant type: single nucleotide variant.
Coding change: c.4524A>T on transcript NM_000059.4 (MANE Select); coding-DNA position 4524, A replaced by T.
Protein change: p.Gly1508=; no amino-acid change (glycine 1508 retained).
Molecular consequence: synonymous variant.
Genome position (GRCh38, 1-based): chr13:32,338,879, A>T. VCF-style: chr13-32338879-A-T. GRCh37 (hg19) VCF-style: chr13-32913016-A-T.
Identifiers: ClinVar variation 230428 (VCV000230428.19), dbSNP rs876658560, ClinGen allele CA10579624.